The following is an entry in ClinVar:

ClinVar aggregate classification (germline): Uncertain significance (0 of 4 stars; one submission).

Conditions:
PHF6-related disorder. Also called: PHF6-related condition.

Submission:

PreventionGenetics, part of Exact Sciences
Classification: Uncertain significance for PHF6-related condition. Last evaluated: 2023-12-05. Review status: no assertion criteria provided. Collection method: clinical testing. Allele origin: germline.
Comment: The PHF6 c.445C>A variant is predicted to result in the amino acid substitution p.His149Asn. To our knowledge, this variant has not been reported in the literature or in a large population database, indicating this variant is rare. At this time, the clinical significance of this variant is uncertain due to the absence of conclusive functional and genetic evidence.

NM_001015877.2(PHF6):c.445C>A (p.His149Asn)

Gene: PHF6 (PHD finger protein 6; plus strand). Cytogenetic location: Xq26.2.
Variant type: single nucleotide variant.
Coding change: c.445C>A on transcript NM_001015877.2 (MANE Select); coding-DNA position 445, C replaced by A.
Protein change: p.His149Asn; replaces histidine 149 with asparagine.
Molecular consequence: missense variant.
Genome position (GRCh38, 1-based): chrX:134,413,517, C>A. VCF-style: chrX-134413517-C-A. GRCh37 (hg19) VCF-style: chrX-133547547-C-A.
Other names: c.448C>A, p.His150Asn (NM_032335.3); c.445C>A, p.His149Asn (NM_032458.3); short protein forms H149N, H150N.
Identifiers: ClinVar variation 3349441 (VCV003349441.1).